The following is an entry in ClinVar:

ClinVar aggregate classification (germline): Likely pathogenic (1 of 4 stars; one submission).

Conditions:
Hermansky-Pudlak syndrome 3 (HPS3). Identifiers: Orphanet 231512, Orphanet 79430, MedGen C3888001, MONDO:0013555, OMIM 614072.

Submission:

Myriad Genetics, Inc.
Classification: Likely pathogenic for Hermansky-Pudlak syndrome 3. Last evaluated: 2022-03-02. Review status: criteria provided, single submitter. Criteria: Myriad Women's Health Autosomal Recessive and X-Linked Classification Criteria (2021). Collection method: clinical testing. Allele origin: unknown.
Comment: NM_032383.3(HPS3):c.2510_2511ins8(Y838Lfs*10) is expected to be pathogenic in the context of Hermansky-Pudlak syndrome type 3. This variant is predicted to lead to an abnormal or absent protein product due to the creation of a premature termination codon in HPS3, a gene where loss-of-function variants are known to be pathogenic. Please note: this variant was assessed in the context of healthy population screening.

NM_032383.5(HPS3):c.2510_2511insACTGTCTC (p.Tyr838fs)

Genes: CP (ceruloplasmin; minus strand), HPS3 (HPS3 biogenesis of lysosomal organelles complex 2 subunit 1; plus strand). Cytogenetic location: 3q24.
Variant type: Insertion.
Coding change: c.2510_2511insACTGTCTC on transcript NM_032383.5 (MANE Select); coding-DNA positions 2510 to 2511, ACTGTCTC inserted.
Protein change: p.Tyr838fs; shifts the reading frame from tyrosine 838.
Molecular consequence: frameshift variant.
Genome position: GRCh38 VCF-style: chr3-149163870-T-TACTGTCTC. GRCh37 (hg19) VCF-style: chr3-148881657-T-TACTGTCTC.
Other names: c.2015_2016insACTGTCTC, p.Tyr673fs (NM_001308258.2); short protein forms Y673fs, Y838fs.
Identifiers: ClinVar variation 1724891 (VCV001724891.2), dbSNP rs2473128520, ClinGen allele CA2580068960.